The following is an entry in ClinVar:

ClinVar aggregate classification (germline): Pathogenic (1 of 4 stars; one submission).

Conditions:
DICER1-related tumor predisposition. Also called: DICER1-related pleuropulmonary blastoma cancer predisposition syndrome; DICER1 syndrome. Identifiers: Orphanet 284343, MedGen C3839822, MONDO:0100216.

Submission:

Labcorp Genetics (formerly Invitae), Labcorp
Classification: Pathogenic for DICER1-related tumor predisposition. Last evaluated: 2016-12-29. Review status: criteria provided, single submitter. Criteria: Invitae Variant Classification Sherloc (09022015). Collection method: clinical testing. Allele origin: germline.
Comment: For these reasons, this variant has been classified as Pathogenic. While this particular variant has not been reported in the literature, loss-of-function variants in DICER1 are known to be pathogenic (PMID: 19556464, 21266384). This sequence change deletes 1 nucleotide from exon 11 of the DICER1 mRNA (c.1767delG), causing a frameshift at codon 589. This creates a premature translational stop signal (p.Lys589Asnfs*28) and is expected to result in an absent or disrupted protein product.

Literature cited by the submitters: PubMed 19556464; PubMed 21266384.

NM_177438.3(DICER1):c.1767del (p.Lys589fs)

Gene: DICER1 (dicer 1, ribonuclease III; minus strand). Cytogenetic location: 14q32.13.
Variant type: Deletion.
Coding change: c.1767del on transcript NM_177438.3 (MANE Select); coding-DNA position 1767, one base deleted (G; older notation c.1767delG).
Protein change: p.Lys589fs; shifts the reading frame from lysine 589.
Molecular consequence: frameshift variant.
Genome position (GRCh38, 1-based): chr14:95,115,807, C deleted on the plus strand (G on the coding strand, the reverse complement: DICER1 is on the minus strand). VCF-style (leftmost placement, unchanged base first): chr14-95115806-AC-A. GRCh37 (hg19) VCF-style: chr14-95582143-AC-A.
Other names: c.1767delG (NM_177438.2); c.1767del, p.Lys589fs (NM_001195573.1, NM_001271282.3, NM_001291628.2 and 1 more transcripts); short protein forms K589fs.
Identifiers: ClinVar variation 412191 (VCV000412191.8), dbSNP rs1060503662, ClinGen allele CA16614256.